The following is an entry in ClinVar:

ClinVar aggregate classification (germline): Uncertain significance (1 of 4 stars; one submission).

Submission:

Labcorp Genetics (formerly Invitae), Labcorp
Classification: Uncertain significance. Last evaluated: 2025-04-19. Review status: criteria provided, single submitter. Criteria: Invitae Variant Classification Sherloc (09022015). Collection method: clinical testing. Allele origin: germline.
Comment: This sequence change replaces glutamine, which is neutral and polar, with glutamic acid, which is acidic and polar, at codon 790 of the MACF1 protein (p.Gln790Glu). This variant is not present in population databases (gnomAD no frequency). This variant has not been reported in the literature in individuals affected with MACF1-related conditions. An algorithm developed to predict the effect of missense changes on protein structure and function (PolyPhen-2) suggests that this variant is likely to be disruptive. In summary, the available evidence is currently insufficient to determine the role of this variant in disease. Therefore, it has been classified as a Variant of Uncertain Significance.

NM_001394062.1(MACF1):c.2353C>G (p.Gln785Glu)

Gene: MACF1 (microtubule actin crosslinking factor 1; plus strand). Cytogenetic location: 1p34.3.
Variant type: single nucleotide variant.
Coding change: c.2353C>G on transcript NM_001394062.1 (MANE Select); coding-DNA position 2353, C replaced by G.
Protein change: p.Gln785Glu; replaces glutamine 785 with glutamic acid.
Molecular consequence: missense variant.
Genome position (GRCh38, 1-based): chr1:39,295,880, C>G. VCF-style: chr1-39295880-C-G. GRCh37 (hg19) VCF-style: chr1-39761552-C-G.
Other names: c.2368C>G, p.Gln790Glu (NM_012090.5); short protein forms Q790E, Q785E.
Identifiers: ClinVar variation 4759740 (VCV004759740.1).